The following is an entry in ClinVar:

NM_022042.4(SLC26A1):c.576+1G>A

Genes: IDUA (alpha-L-iduronidase; plus strand), SLC26A1 (solute carrier family 26 member 1; minus strand). Cytogenetic location: 4p16.3.
Variant type: single nucleotide variant.
Coding change: c.576+1G>A on transcript NM_022042.4 (MANE Select); the canonical splice donor site of the intron after coding-DNA position 576, G replaced by A.
Molecular consequence: splice donor variant. On other transcripts: intron variant (1).
Genome position (GRCh38, 1-based): chr4:991,127, C>T on the plus strand (G>A on the coding strand, the complement: SLC26A1 is on the minus strand). VCF-style: chr4-991127-C-T. GRCh37 (hg19) VCF-style: chr4-984915-C-T.
Other names: c.576+1G>A (NM_134425.4, NM_213613.4); c.299+3178C>T (NM_000203.5).
Identifiers: ClinVar variation 2796873 (VCV002796873.3), dbSNP rs1340008059, ClinGen allele CA355957502.

ClinVar aggregate classification (germline): Uncertain significance (1 of 4 stars; one submission).

Allele frequency attached by ClinVar (database versions not stated): gnomAD exomes 0.00001; TOPMed 0.00001.
gnomAD v4.1: 4 of 1,533,106 alleles (0.00026%); highest among the groups gnomAD compares: East Asian, 0.0068%; no homozygotes.

Submission:

Labcorp Genetics (formerly Invitae), Labcorp
Classification: Uncertain significance. Last evaluated: 2024-06-03. Review status: criteria provided, single submitter. Criteria: Invitae Variant Classification Sherloc (09022015). Collection method: clinical testing. Allele origin: germline.
Comment: This sequence change falls in intron 3 of the SLC26A1 gene. It does not directly change the encoded amino acid sequence of the SLC26A1 protein. It affects a nucleotide within the consensus splice site. This variant is present in population databases (no rsID available, gnomAD 0.01%). This variant has not been reported in the literature in individuals affected with SLC26A1-related conditions. Variants that disrupt the consensus splice site are a relatively common cause of aberrant splicing (PMID: 17576681, 9536098). Algorithms developed to predict the effect of sequence changes on RNA splicing suggest that this variant may disrupt the consensus splice site. In summary, the available evidence is currently insufficient to determine the role of this variant in disease. Therefore, it has been classified as a Variant of Uncertain Significance.

Literature cited by the submitters: PubMed 17576681; PubMed 9536098.